The following is an entry in ClinVar:

ClinVar aggregate classification (germline): Uncertain significance (1 of 4 stars; one submission).

Allele frequency attached by ClinVar (database versions not stated): ExAC 0.00001; gnomAD 0.00001; gnomAD exomes 0.00001; TOPMed 0.00001.
gnomAD v4.1: 8 of 1,600,232 alleles (0.0005%); highest among the groups gnomAD compares: East Asian, 0.0022%; no homozygotes.

Submission:

Labcorp Genetics (formerly Invitae), Labcorp
Classification: Uncertain significance. Last evaluated: 2025-03-18. Review status: criteria provided, single submitter. Criteria: Invitae Variant Classification Sherloc (09022015). Collection method: clinical testing. Allele origin: germline.
Comment: This sequence change falls in intron 2 of the TSFM gene. It does not directly change the encoded amino acid sequence of the TSFM protein. It affects a nucleotide within the consensus splice site. The frequency data for this variant in the population databases is considered unreliable, as metrics indicate poor data quality at this position in the gnomAD database. This variant has not been reported in the literature in individuals affected with TSFM-related conditions. ClinVar contains an entry for this variant (Variation ID: 1989069). Variants that disrupt the consensus splice site are a relatively common cause of aberrant splicing (PMID: 17576681, 9536098). Algorithms developed to predict the effect of sequence changes on RNA splicing suggest that this variant is not likely to affect RNA splicing. In summary, the available evidence is currently insufficient to determine the role of this variant in disease. Therefore, it has been classified as a Variant of Uncertain Significance.

Literature cited by the submitters: PubMed 17576681; PubMed 9536098.

NM_005726.6(TSFM):c.232-3C>T

Gene: TSFM (Ts translation elongation factor, mitochondrial; plus strand). Cytogenetic location: 12q14.1.
Variant type: single nucleotide variant.
Coding change: c.232-3C>T on transcript NM_005726.6 (MANE Select); 3 bases into the intron before coding-DNA position 232, C replaced by T.
Molecular consequence: intron variant.
Genome position (GRCh38, 1-based): chr12:57,786,160, C>T. VCF-style: chr12-57786160-C-T. GRCh37 (hg19) VCF-style: chr12-58179943-C-T.
Other names: c.232-3C>T (NM_001172697.2, NM_001172696.2, NM_001172695.2).
Identifiers: ClinVar variation 1989069 (VCV001989069.2), dbSNP rs761922961, ClinGen allele CA6659306.